The following is an entry in ClinVar:

ClinVar aggregate classification (germline): Uncertain significance. Review status: criteria provided, single submitter (1 of 4 stars). 2 submissions from 2 submitters: Uncertain significance (1). 1 of the submissions does not count toward it. Last evaluated 2021-09-01.

Conditions:
Familial Mediterranean fever (FMF). Also called: POLYSEROSITIS, FAMILIAL PAROXYSMAL; POLYSEROSITIS, RECURRENT; Periodic peritonitis; Benign paroxysmal peritonitis. Identifiers: Orphanet 342, MedGen C0031069, MONDO:0018088, OMIM 249100. Disease mechanism: gain of function.

Allele frequency attached by ClinVar (database versions not stated): TOPMed below 0.00001; gnomAD 0.00001.

Submissions (2):

Labcorp Genetics (formerly Invitae), Labcorp
Classification: Uncertain significance for Familial Mediterranean fever. Last evaluated: 2021-09-01. Review status: criteria provided, single submitter. Criteria: Invitae Variant Classification Sherloc (09022015). Collection method: clinical testing. Allele origin: germline.
Comment: This sequence change replaces leucine with methionine at codon 484 of the MEFV protein (p.Leu484Met). The leucine residue is moderately conserved and there is a small physicochemical difference between leucine and methionine. This variant is present in population databases (rs760827469, ExAC 0.003%). This variant has not been reported in the literature in individuals affected with MEFV-related conditions. Algorithms developed to predict the effect of missense changes on protein structure and function output the following: SIFT: "Tolerated"; PolyPhen-2: "Possibly Damaging"; Align-GVGD: "Class C0". The methionine amino acid residue is found in multiple mammalian species, which suggests that this missense change does not adversely affect protein function. In summary, the available evidence is currently insufficient to determine the role of this variant in disease. Therefore, it has been classified as a Variant of Uncertain Significance.

Natera, Inc.
Classification: Uncertain significance for Familial Mediterranean fever. Last evaluated: 2020-07-28. Review status: no assertion criteria provided. Collection method: clinical testing. Allele origin: germline. Not counted in ClinVar's aggregate classification.

NM_000243.3(MEFV):c.1450C>A (p.Leu484Met)

Gene: MEFV (MEFV innate immunity regulator, pyrin; minus strand). Cytogenetic location: 16p13.3.
Variant type: single nucleotide variant.
Coding change: c.1450C>A on transcript NM_000243.3 (MANE Select); coding-DNA position 1450, C replaced by A.
Protein change: p.Leu484Met; replaces leucine 484 with methionine.
Molecular consequence: missense variant.
Genome position (GRCh38, 1-based): chr16:3,247,153, G>T on the plus strand (C>A on the coding strand, the complement: MEFV is on the minus strand). VCF-style: chr16-3247153-G-T. GRCh37 (hg19) VCF-style: chr16-3297153-G-T.
Other names: c.817C>A, p.Leu273Met (NM_001198536.2); short protein forms L484M, L273M.
Identifiers: ClinVar variation 1037890 (VCV001037890.10), dbSNP rs760827469, ClinGen allele CA7860124.